The following is an entry in ClinVar:

NM_000218.3(KCNQ1):c.1772G>T (p.Arg591Leu)

Gene: KCNQ1 (potassium voltage-gated channel subfamily Q member 1; plus strand). Cytogenetic location: 11p15.5.
Variant type: single nucleotide variant.
Coding change: c.1772G>T on transcript NM_000218.3 (MANE Select); coding-DNA position 1772, G replaced by T.
Protein change: p.Arg591Leu; replaces arginine 591 with leucine.
Molecular consequence: missense variant.
Genome position (GRCh38, 1-based): chr11:2,778,015, G>T. VCF-style: chr11-2778015-G-T. GRCh37 (hg19) VCF-style: chr11-2799245-G-T.
Other names: p.R591L:CGC>CTC; c.1676G>T, p.Arg559Leu (NM_001406836.1); c.1502G>T, p.Arg501Leu (NM_001406837.1); c.1232G>T, p.Arg411Leu (NM_001406838.1); c.284G>T, p.Arg95Leu (NM_001406839.1); c.1391G>T, p.Arg464Leu (NM_181798.2); short protein forms R464L, R591L, R411L, R501L, R95L, R559L.
Identifiers: ClinVar variation 200857 (VCV000200857.10), dbSNP rs199472814, ClinGen allele CA006375.

ClinVar aggregate classification (germline): Pathogenic/Likely pathogenic. Review status: criteria provided, multiple submitters, no conflicts (2 of 4 stars). 5 submissions from 5 submitters: Pathogenic (3); Likely pathogenic (2). Last evaluated 2026-09-08.

Conditions:
Cardiac arrhythmia. Also called: Arrhythmia; Cardiac rhythm disease. Identifiers: MedGen C0003811, MONDO:0007263, HP:0011675.
KCNQ1-related disorder. Also called: KCNQ1-related disorders; KCNQ1-related condition. Identifiers: MedGen CN239322.
Long QT syndrome 1 (LQT1). Identifiers: Orphanet 101016, Orphanet 768, MedGen C4551647, MONDO:0100316, OMIM 192500, MONDO:0008646.

gnomAD v4.1: 1 of 1,613,638 alleles (0.000062%); highest among the groups gnomAD compares: Non-Finnish European, 0.000085%; no homozygotes.

Submissions (5):

GeneDx
Classification: Pathogenic. Last evaluated: 2026-09-08. Review status: criteria provided, single submitter. Criteria: GeneDx Variant Classification Process June 2021. Collection method: clinical testing. Allele origin: germline.
Comment: Not observed at significant frequency in large population cohorts (gnomAD); In silico analysis supports that this missense variant has a deleterious effect on protein structure/function; This variant is associated with the following publications: (PMID: 23158531, 34691145, 34505893, 35537032, 32383558)

Color Diagnostics, LLC DBA Color Health
Classification: Likely pathogenic for Cardiac arrhythmia. Last evaluated: 2025-06-11. Review status: criteria provided, single submitter. Criteria: ACMG Guidelines, 2015. Collection method: clinical testing. Allele origin: germline.
Comment: This missense variant replaces arginine with leucine at codon 591 of the KCNQ1 protein. This variant is located within the conserved C-terminal cytoplasmic domain (a.a. 585-607) of the KCNQ1 protein. Rare non-truncating variants in this region have been shown to be significantly overrepresented in individuals with long QT syndrome (PMID: 32893267). Computational prediction suggests that this variant may have a deleterious impact on protein structure and function. To our knowledge, functional studies have not been reported for this variant. This variant has been reported in at least seven unrelated individuals affected with long QT syndrome (PMID: 23158531, 32383558, 32893267, 34505893). In one family, this variant has been reported in three affected individuals (PMID: 23158531). This variant has not been identified in the general population by the Genome Aggregation Database (gnomAD). Different variants affecting the same codon, (p.Arg591Cys, p.Arg591His), are considered to be disease-causing (ClinVar variation ID: 53016, 53017), suggesting that arginine at this position is important for KCNQ1 protein function. Based on the available evidence, this variant is classified as Likely Pathogenic.

Molecular Genetics Laboratory - Cardiogenetics, CHU de Nantes
Classification: Likely pathogenic for Long QT syndrome 1. Last evaluated: 2023-08-01. Review status: criteria provided, single submitter. Criteria: ACMG Guidelines, 2015. Collection method: clinical testing. Allele origin: germline. Affected: yes.

Illumina Laboratory Services, Illumina
Classification: Pathogenic for Long QT syndrome 1. Last evaluated: 2023-04-24. Review status: criteria provided, single submitter. Criteria: ICSLVariantClassificationCriteria RUGD 01 April 2020. Collection method: clinical testing. Allele origin: unknown.
Comment: The KCNQ1 c.1772G>T (p.Arg591Leu) missense variant has been identified in individuals with long QT syndrome, found in a heterozygous state (PMID: 23158531; 32383558; 34505893). This variant is not observed in version 2.1.1 or version 3.1.2 of the Genome Aggregation Database. This variant is located in a known hotspot (PMID: 34505893). Another variant at the same nucleotide and amino acid position, c.1772G>A (p.Arg591His) has been reported in individuals with phenotypes consistent with long QT syndrome (PMID: 34505893). Multiple lines of computational evidence suggest the variant may impact the gene or gene product. Based on the available evidence, the c.1772G>T (p.Arg591Leu) variant is classified as pathogenic for long QT syndrome.

Blueprint Genetics
Classification: Pathogenic for KCNQ1-related disorders. Last evaluated: 2022-06-29. Review status: criteria provided, single submitter. Criteria: ACMG Guidelines, 2015. Collection method: clinical testing. Allele origin: germline. Affected: yes. Observed: 3 variant alleles.

Literature cited by the submitters: PubMed 23158531 (cited by Color Diagnostics, LLC DBA Color Health and Illumina Laboratory Services, Illumina); PubMed 32383558 (cited by Color Diagnostics, LLC DBA Color Health and Illumina Laboratory Services, Illumina); PubMed 32893267 (cited by Color Diagnostics, LLC DBA Color Health); PubMed 34505893 (cited by Color Diagnostics, LLC DBA Color Health and Illumina Laboratory Services, Illumina).